The following is an entry in ClinVar:

ClinVar aggregate classification (germline): Uncertain significance (1 of 4 stars; one submission).

gnomAD v4.1: 1 of 1,610,294 alleles (0.000062%); highest among the groups gnomAD compares: Non-Finnish European, 0.000085%; no homozygotes.

Submission:

Ambry Genetics
Classification: Uncertain significance. Last evaluated: 2026-07-17. Review status: criteria provided, single submitter. Criteria: Ambry Variant Classification Scheme 2023. Collection method: clinical testing. Allele origin: germline.
Comment: The p.E485G variant (also known as c.1454A>G), located in coding exon 8 of the PALLD gene, results from an A to G substitution at nucleotide position 1454. The glutamic acid at codon 485 is replaced by glycine, an amino acid with similar properties. This amino acid position is conserved. In addition, this alteration is predicted to be deleterious by in silico analysis. Based on the available evidence, the clinical significance of this variant remains unclear.

NM_001166108.2(PALLD):c.2966A>G (p.Glu989Gly)

Genes: CBR4 (carbonyl reductase 4; minus strand), PALLD (palladin, cytoskeletal associated protein; plus strand). Cytogenetic location: 4q32.3.
Variant type: single nucleotide variant.
Coding change: c.2966A>G on transcript NM_001166108.2 (MANE Select); coding-DNA position 2966, A replaced by G.
Protein change: p.Glu989Gly; replaces glutamic acid 989 with glycine.
Molecular consequence: missense variant.
Genome position (GRCh38, 1-based): chr4:168,921,649, A>G. VCF-style: chr4-168921649-A-G. GRCh37 (hg19) VCF-style: chr4-169842800-A-G.
Other names: c.1769A>G, p.Glu590Gly (NM_001166109.2); c.1454A>G, p.Glu485Gly (NM_001166110.2); c.794A>G, p.Glu265Gly (NM_001367567.1, NM_001367569.1); c.845A>G, p.Glu282Gly (NM_001367568.1, NM_001367570.1); c.2915A>G, p.Glu972Gly (NM_016081.4); short protein forms E265G, E972G, E282G, E485G, E590G, E989G.
Identifiers: ClinVar variation 5026223 (VCV005026223.1).